The following is an entry in ClinVar:

NM_032043.3(BRIP1):c.223_230del (p.Glu74_Gly75insTer)

Gene: BRIP1 (BRCA1 interacting DNA helicase 1; minus strand). Cytogenetic location: 17q23.2.
Variant type: Deletion.
Coding change: c.223_230del on transcript NM_032043.3 (MANE Select); coding-DNA positions 223 to 230, 8 bases deleted (GGCGTAAG; older notation c.223_230delGGCGTAAG).
Protein change: p.Glu74_Gly75insTer.
Molecular consequence: nonsense. On other transcripts: frameshift variant (1).
Genome position (GRCh38, 1-based): chr17:61,857,207-61,857,214, CTTACGCC deleted on the plus strand (GGCGTAAG on the coding strand, the reverse complement: BRIP1 is on the minus strand); deleting any 8 consecutive bases within chr17:61,857,207-61,857,216 gives the same sequence; the c. name uses the placement nearest the transcript's 3' end. VCF-style (leftmost placement, unchanged base first): chr17-61857206-ACTTACGCC-A. GRCh37 (hg19) VCF-style: chr17-59934567-ACTTACGCC-A.
Other names: c.223_230delGGCGTAAG (NM_032043.2).
Identifiers: ClinVar variation 5033428 (VCV005033428.1).
Genomic context (GRCh38, chr17:61,857,206, plus strand): 5'-GTTTGTAAAATCCTTTGAATGGCATGCACAACAACATGACAATTGTACTTCAGCTTTTTC[ACTTACGCC>A]CTCATCTGCTGGTTTCCCTAAAAATGAAAGAACATCTATTTATAATATATCTAATTAAAT-3'

ClinVar aggregate classification (germline): Pathogenic (1 of 4 stars; one submission).

Conditions:
Hereditary cancer-predisposing syndrome. Also called: Neoplastic Syndromes, Hereditary; Tumor predisposition; Hereditary neoplastic syndrome; Hereditary Cancer Syndrome. Identifiers: Orphanet 140162, MedGen C0027672, MeSH D009386, MONDO:0015356.

Submission:

Ambry Genetics
Classification: Pathogenic for Hereditary cancer-predisposing syndrome. Last evaluated: 2026-07-15. Review status: criteria provided, single submitter. Criteria: Ambry Variant Classification Scheme 2023. Collection method: clinical testing. Allele origin: germline.
Comment: The c.223_230delGGCGTAAG pathogenic mutation, located in coding exon 3 of the BRIP1 gene, results from a deletion of 8 nucleotides at nucleotide positions 223 to 230, causing a translational frameshift with a predicted alternate stop codon (p.G75*). This variant is considered to be rare based on population cohorts in the Genome Aggregation Database (gnomAD). This alteration is expected to result in loss of function by premature protein truncation or nonsense-mediated mRNA decay. As such, this alteration is interpreted as a disease-causing mutation.